The following is an entry in ClinVar:

NM_004304.5(ALK):c.3764G>T (p.Cys1255Phe)

Gene: ALK (ALK receptor tyrosine kinase; minus strand). Cytogenetic location: 2p23.2.
Variant type: single nucleotide variant.
Coding change: c.3764G>T on transcript NM_004304.5 (MANE Select); coding-DNA position 3764, G replaced by T.
Protein change: p.Cys1255Phe; replaces cysteine 1255 with phenylalanine.
Molecular consequence: missense variant.
Genome position (GRCh38, 1-based): chr2:29,209,858, C>A on the plus strand (G>T on the coding strand, the complement: ALK is on the minus strand). VCF-style: chr2-29209858-C-A. GRCh37 (hg19) VCF-style: chr2-29432724-C-A.
Other names: c.560G>T, p.Cys187Phe (NM_001353765.2); short protein forms C1255F, C187F.
Identifiers: ClinVar variation 824178 (VCV000824178.6), dbSNP rs1190225184, ClinGen allele CA346469796.

ClinVar aggregate classification (germline): Uncertain significance. Review status: criteria provided, multiple submitters, no conflicts (2 of 4 stars). 2 submissions from 2 submitters: Uncertain significance (2). Last evaluated 2024-12-08.

Conditions:
Hereditary cancer-predisposing syndrome. Also called: Neoplastic Syndromes, Hereditary; Hereditary Cancer Syndrome; Hereditary neoplastic syndrome; Tumor predisposition. Identifiers: Orphanet 140162, MedGen C0027672, MeSH D009386, MONDO:0015356.
Neuroblastoma, susceptibility to, 3. Also called: ALK-Related Neuroblastic Tumor Susceptibility. Identifiers: Orphanet 635, MedGen C2751681, MONDO:0013083, OMIM 613014.

Allele frequency attached by ClinVar (database versions not stated): gnomAD exomes below 0.00001.
gnomAD v4.1: 1 of 1,614,118 alleles (0.000062%); highest among the groups gnomAD compares: Non-Finnish European, 0.000085%; no homozygotes.

Submissions (2):

Labcorp Genetics (formerly Invitae), Labcorp
Classification: Uncertain significance for Neuroblastoma, susceptibility to, 3. Last evaluated: 2024-12-08. Review status: criteria provided, single submitter. Criteria: Invitae Variant Classification Sherloc (09022015). Collection method: clinical testing. Allele origin: germline.
Comment: This sequence change replaces cysteine, which is neutral and slightly polar, with phenylalanine, which is neutral and non-polar, at codon 1255 of the ALK protein (p.Cys1255Phe). This variant is present in population databases (no rsID available, gnomAD 0.0009%). This variant has not been reported in the literature in individuals affected with ALK-related conditions. ClinVar contains an entry for this variant (Variation ID: 824178). An algorithm developed to predict the effect of missense changes on protein structure and function (PolyPhen-2) suggests that this variant is likely to be disruptive. In summary, the available evidence is currently insufficient to determine the role of this variant in disease. Therefore, it has been classified as a Variant of Uncertain Significance.

Ambry Genetics
Classification: Uncertain significance for Hereditary cancer-predisposing syndrome. Last evaluated: 2018-11-27. Review status: criteria provided, single submitter. Criteria: Ambry Variant Classification Scheme 2023. Collection method: clinical testing. Allele origin: germline.
Comment: The p.C1255F variant (also known as c.3764G>T), located in coding exon 25 of the ALK gene, results from a G to T substitution at nucleotide position 3764. The cysteine at codon 1255 is replaced by phenylalanine, an amino acid with highly dissimilar properties. This amino acid position is highly conserved in available vertebrate species. In addition, this alteration is predicted to be deleterious by in silico analysis. Since supporting evidence is limited at this time, the clinical significance of this alteration remains unclear.